The following is an entry in ClinVar:

NM_001271.4(CHD2):c.445G>C (p.Glu149Gln)

Gene: CHD2 (chromodomain helicase DNA binding protein 2; plus strand). Cytogenetic location: 15q26.1.
Variant type: single nucleotide variant.
Coding change: c.445G>C on transcript NM_001271.4 (MANE Select); coding-DNA position 445, G replaced by C.
Protein change: p.Glu149Gln; replaces glutamic acid 149 with glutamine.
Molecular consequence: missense variant.
Genome position (GRCh38, 1-based): chr15:92,937,519, G>C. VCF-style: chr15-92937519-G-C. GRCh37 (hg19) VCF-style: chr15-93480749-G-C.
Other names: c.445G>C, p.Glu149Gln (NM_001042572.3); short protein forms E149Q.
Identifiers: ClinVar variation 4056977 (VCV004056977.2).

ClinVar aggregate classification (germline): Uncertain significance (1 of 4 stars; one submission).

gnomAD v4.1: 1 of 1,601,590 alleles (0.000062%); highest among the groups gnomAD compares: Non-Finnish European, 0.000085%; no homozygotes.

Submission:

GeneDx
Classification: Uncertain significance. Last evaluated: 2026-04-27. Review status: criteria provided, single submitter. Criteria: GeneDx Variant Classification Process June 2021. Collection method: clinical testing. Allele origin: germline.
Comment: Not observed at significant frequency in large population cohorts (gnomAD); In silico analysis suggests that this missense variant does not alter protein structure/function; Has not been previously published as pathogenic or benign to our knowledge